The following is an entry in ClinVar:

ClinVar aggregate classification (germline): Conflicting classifications of pathogenicity. Review status: criteria provided, conflicting classifications (1 of 4 stars). 2 submissions from 2 submitters: Uncertain significance (1); Likely benign (1). Last evaluated 2024-12-02.

gnomAD v4.1: 10 of 1,418,100 alleles (0.00071%); highest among the groups gnomAD compares: Non-Finnish European, 0.00073%; no homozygotes.

Submissions (2):

Labcorp Genetics (formerly Invitae), Labcorp
Classification: Uncertain significance. Last evaluated: 2024-12-02. Review status: criteria provided, single submitter. Criteria: Invitae Variant Classification Sherloc (09022015). Collection method: clinical testing. Allele origin: germline.
Comment: This sequence change replaces arginine, which is basic and polar, with leucine, which is neutral and non-polar, at codon 63 of the MIPEP protein (p.Arg63Leu). The frequency data for this variant in the population databases is considered unreliable, as metrics indicate poor data quality at this position in the gnomAD database. This variant has not been reported in the literature in individuals affected with MIPEP-related conditions. ClinVar contains an entry for this variant (Variation ID: 1926951). An algorithm developed to predict the effect of missense changes on protein structure and function (PolyPhen-2) suggests that this variant is likely to be tolerated. In summary, the available evidence is currently insufficient to determine the role of this variant in disease. Therefore, it has been classified as a Variant of Uncertain Significance.

Blueprint Genetics
Classification: Likely benign. Last evaluated: 2024-11-20. Review status: criteria provided, single submitter. Criteria: ACMG Guidelines, 2015. Collection method: clinical testing. Allele origin: germline.

NM_005932.4(MIPEP):c.188G>T (p.Arg63Leu)

Genes: MIPEP (mitochondrial intermediate peptidase; minus strand), PCOTH (prostate and testis expressed opposite C1QTNF9B and MIPEP; plus strand). Cytogenetic location: 13q12.12.
Variant type: single nucleotide variant.
Coding change: c.188G>T on transcript NM_005932.4 (MANE Select); coding-DNA position 188, G replaced by T.
Protein change: p.Arg63Leu; replaces arginine 63 with leucine.
Molecular consequence: missense variant.
Genome position (GRCh38, 1-based): chr13:23,889,133, C>A on the plus strand (G>T on the coding strand, the complement: MIPEP is on the minus strand). VCF-style: chr13-23889133-C-A. GRCh37 (hg19) VCF-style: chr13-24463272-C-A.
Other names: short protein forms R63L.
Identifiers: ClinVar variation 1926951 (VCV001926951.6), dbSNP rs539147713, ClinGen allele CA387532456.